The following is an entry in ClinVar:

ClinVar aggregate classification (germline): Conflicting classifications of pathogenicity. Review status: criteria provided, conflicting classifications (1 of 4 stars). 3 submissions from 3 submitters: Uncertain significance (2); Likely benign (1). Last evaluated 2025-03-31.

Conditions:
Birt-Hogg-Dube syndrome 1 (BHD1). Also called: FIBROFOLLICULOMAS WITH TRICHODISCOMAS AND ACROCHORDONS. Identifiers: Orphanet 122, MedGen CN375946, MONDO:0800445, OMIM 135150.
Hereditary cancer-predisposing syndrome. Also called: Tumor predisposition; Neoplastic Syndromes, Hereditary; Hereditary Cancer Syndrome; Hereditary neoplastic syndrome. Identifiers: Orphanet 140162, MedGen C0027672, MeSH D009386, MONDO:0015356.
Birt-Hogg-Dube syndrome. Also called: Birt Hogg Dubé syndrome. Identifiers: Orphanet 122, MedGen C0346010, MONDO:0800444.

Allele frequency attached by ClinVar (database versions not stated): gnomAD exomes below 0.00001 and 0.00001; ExAC 0.00002.
gnomAD v4.1: 2 of 1,614,202 alleles (0.00012%); highest among the groups gnomAD compares: South Asian, 0.0022%; no homozygotes.

Submissions (3):

Labcorp Genetics (formerly Invitae), Labcorp
Classification: Uncertain significance for Birt-Hogg-Dube syndrome. Last evaluated: 2025-03-31. Review status: criteria provided, single submitter. Criteria: Invitae Variant Classification Sherloc (09022015). Collection method: clinical testing. Allele origin: germline.
Comment: This sequence change replaces lysine, which is basic and polar, with arginine, which is basic and polar, at codon 562 of the FLCN protein (p.Lys562Arg). This variant is present in population databases (rs749359334, gnomAD 0.006%). This variant has not been reported in the literature in individuals affected with FLCN-related conditions. ClinVar contains an entry for this variant (Variation ID: 485630). Invitae Evidence Modeling of protein sequence and biophysical properties (such as structural, functional, and spatial information, amino acid conservation, physicochemical variation, residue mobility, and thermodynamic stability) indicates that this missense variant is not expected to disrupt FLCN protein function with a negative predictive value of 80%. Algorithms developed to predict the effect of sequence changes on RNA splicing suggest that this variant may create or strengthen a splice site. In summary, the available evidence is currently insufficient to determine the role of this variant in disease. Therefore, it has been classified as a Variant of Uncertain Significance.

Myriad Genetics, Inc.
Classification: Likely benign for Birt-Hogg-Dube syndrome 1. Last evaluated: 2024-10-28. Review status: criteria provided, single submitter. Criteria: Myriad Autosomal Dominant, Autosomal Recessive and X-Linked Classification Criteria (2023). Collection method: clinical testing. Allele origin: unknown.
Comment: This variant is considered likely benign. This variant has been observed at a population frequency that is significantly greater than expected given the associated disease prevalence and penetrance.

Ambry Genetics
Classification: Uncertain significance for Hereditary cancer-predisposing syndrome. Last evaluated: 2018-11-13. Review status: criteria provided, single submitter. Criteria: Ambry Variant Classification Scheme 2023. Collection method: clinical testing. Allele origin: germline.
Comment: The p.K562R variant (also known as c.1685A>G), located in coding exon 11 of the FLCN gene, results from an A to G substitution at nucleotide position 1685. The lysine at codon 562 is replaced by arginine, an amino acid with highly similar properties. This amino acid position is well conserved in available vertebrate species. In addition, this alteration is predicted to be tolerated by in silico analysis. Since supporting evidence is limited at this time, the clinical significance of this alteration remains unclear.

NM_144997.7(FLCN):c.1685A>G (p.Lys562Arg)

Gene: FLCN (folliculin; minus strand). Cytogenetic location: 17p11.2.
Variant type: single nucleotide variant.
Coding change: c.1685A>G on transcript NM_144997.7 (MANE Select); coding-DNA position 1685, A replaced by G.
Protein change: p.Lys562Arg; replaces lysine 562 with arginine.
Molecular consequence: missense variant.
Genome position (GRCh38, 1-based): chr17:17,213,710, T>C on the plus strand (A>G on the coding strand, the complement: FLCN is on the minus strand). VCF-style: chr17-17213710-T-C. GRCh37 (hg19) VCF-style: chr17-17117024-T-C.
Other names: c.1685A>G (LRG_325t1); c.1739A>G, p.Lys580Arg (NM_001353229.2); c.1685A>G, p.Lys562Arg (NM_001353230.2, NM_001353231.2); short protein forms K562R, K580R.
Identifiers: ClinVar variation 485630 (VCV000485630.14), dbSNP rs749359334, ClinGen allele CA8415917.
Genomic context (GRCh38, chr17:17,213,710, plus strand): 5'-ACGGGTCAGTTCCGAGACTCCGAGGCTGTGGGGCTGCGGACCGTGGACATGAGGTGTGAC[T>C]TGTAGGTCTTGCTCAGGCCAGTCATCCAGAACTTCAGCAGCTTGACATTGTCCTCCTCGG-3'
Protein context (NP_659434.2, residues 552-572): FWMTGLSKTY[Lys562Arg]SHLMSTVRSP